The following is an entry in ClinVar:

ClinVar aggregate classification (germline): Uncertain significance (1 of 4 stars; one submission).

Conditions:
Ataxia-telangiectasia syndrome (AT). Also called: Cerebello-oculocutaneous telangiectasia; Immunodeficiency with ataxia telangiectasia; Ataxia-telangiectasia, complementation group D; AT, COMPLEMENTATION GROUP C; Ataxia-telangiectasia, complementation group E; LOUIS-BAR SYNDROME. Identifiers: Orphanet 100, MedGen C0004135, MONDO:0008840, OMIM 208900.

Submission:

Labcorp Genetics (formerly Invitae), Labcorp
Classification: Uncertain significance for Ataxia-telangiectasia syndrome. Last evaluated: 2017-07-19. Review status: criteria provided, single submitter. Criteria: Invitae Variant Classification Sherloc (09022015). Collection method: clinical testing. Allele origin: germline.
Comment: This sequence change replaces cysteine with glycine at codon 783 of the ATM protein (p.Cys783Gly). The cysteine residue is highly conserved and there is a large physicochemical difference between cysteine and glycine. This variant is not present in population databases (ExAC no frequency). This variant has not been reported in the literature in individuals with ATM-related disease. In summary, the available evidence is currently insufficient to determine the role of this variant in disease. Therefore, it has been classified as a Variant of Uncertain Significance. Algorithms developed to predict the effect of missense changes on protein structure and function do not agree on the potential impact of this missense change (SIFT: "Deleterious"; PolyPhen-2: "Possibly Damaging"; Align-GVGD: "Class C0").

NM_000051.4(ATM):c.2347T>G (p.Cys783Gly)

Gene: ATM (ATM serine/threonine kinase; plus strand). Cytogenetic location: 11q22.3.
Variant type: single nucleotide variant.
Coding change: c.2347T>G on transcript NM_000051.4 (MANE Select); coding-DNA position 2347, T replaced by G.
Protein change: p.Cys783Gly; replaces cysteine 783 with glycine.
Molecular consequence: missense variant.
Genome position (GRCh38, 1-based): chr11:108,257,577, T>G. VCF-style: chr11-108257577-T-G. GRCh37 (hg19) VCF-style: chr11-108128304-T-G.
Other names: c.2347T>G, p.Cys783Gly (NM_001351834.2); short protein forms C783G.
Identifiers: ClinVar variation 453412 (VCV000453412.7), dbSNP rs1555075786, ClinGen allele CA382540225.